The following is an entry in ClinVar:

ClinVar aggregate classification (germline): Likely pathogenic (1 of 4 stars; one submission).

Conditions:
COL4A3-related disorder. Also called: COL4A3-related condition; COL4A3-Related Disorders.

Submission:

PreventionGenetics, part of Exact Sciences
Classification: Likely pathogenic for COL4A3-related condition. Last evaluated: 2025-12-21. Review status: criteria provided, single submitter. Criteria: ACMG Guidelines, 2015. Collection method: clinical testing. Allele origin: germline.
Comment: The COL4A3 c.3566-1_3566delinsTT variant is predicted to result in an in-frame deletion and insertion. To our knowledge, this variant has not been reported in the literature or in a large population database (gnomAD), indicating this variant is rare. This variant occurs at the conserved triple helical domain (residues 43-1438) of the COL4A3 protein, where substitutions or in-frame length changes affecting the glycine (Gly) residue are usually pathogenic (Hudson et al. 1993. PubMed ID: 8253711). Of note, different substitutions at the codon p.Gly1189 (encoded by c.3565_3567) have been reported in individuals with autosomal recessive COL4A3-related Alport syndrome spectrum disorders (p.Gly1189Arg in Table S3, Rao et al. 2019. PubMed ID: 31328266 and Zhang et al. 2021. PubMed ID: 33772369; p.Gly1189Glu in Zhang et al. 2021. PubMed ID: 33772369). In addition to the glycine substitution effect at the conserved triple helical domain, this variant is also predicted to affect splicing since this nucleotide change occurs at the canonical splice acceptor site (Alamut Visual Plus v1.6.1; SpliceAI, Jaganathan et al. 2019. PubMed ID: 30661751). Variants that disrupt the consensus splice acceptor site in COL4A3 are expected to be pathogenic. The c.3566-1_3566delinsTT variant is interpreted as likely pathogenic for both autosomal dominant and recessive COL4A3-related Alport syndrome spectrum disorders.

NM_000091.5(COL4A3):c.3566-1_3566delinsTT

Genes: COL4A3 (collagen type IV alpha 3 chain; plus strand), MFF-DT (MFF divergent transcript; minus strand). Cytogenetic location: 2q36.3.
Variant type: Indel.
Coding change: c.3566-1_3566delinsTT on transcript NM_000091.5 (MANE Select); the canonical splice acceptor site of the intron before coding-DNA position 3566 through coding-DNA position 3566, GG replaced by TT.
Molecular consequence: splice acceptor variant.
Genome position (GRCh38, 1-based): chr2:227,297,673-227,297,674, GG replaced by TT. VCF-style: chr2-227297673-GG-TT. GRCh37 (hg19) VCF-style: chr2-228162389-GG-TT.
Identifiers: ClinVar variation 4996379 (VCV004996379.1).